The following is an entry in ClinVar:

ClinVar aggregate classification (germline): Uncertain significance. Review status: criteria provided, multiple submitters, no conflicts (2 of 4 stars). 5 submissions from 5 submitters: Uncertain significance (2). 3 of the submissions do not count toward it. Last evaluated 2025-01-06.

Conditions:
CEP290-related disorder. Also called: CEP290-related disorders; CEP290-related condition. Identifiers: MedGen CN239314.
Leber congenital amaurosis (LCA). Also called: Leber's amaurosis. Identifiers: Orphanet 65, MedGen C0339527, MeSH D057130, MONDO:0018998.
Intellectual disability. Also called: Intellectual functioning disability; intellectual disabilities; Intellectual developmental disorder. Identifiers: MedGen C3714756, MeSH D008607, MONDO:0001071, HP:0001249.
Joubert syndrome. Also called: JOUBERT-BOLTSHAUSER SYNDROME; Familial aplasia of the vermis. Identifiers: Orphanet 475, MedGen C5979921, MONDO:0018772.
Meckel-Gruber syndrome. Also called: DYSENCEPHALIA SPLANCHNOCYSTICA; GRUBER SYNDROME; Dysencephalia splachnocystica. Identifiers: Orphanet 564, MedGen C0265215, MONDO:0018921.
Nephronophthisis. Also called: Juvenile Nephronophthisis. Identifiers: Orphanet 655, MedGen C0687120, MONDO:0019005, HP:0000090.

Allele frequency attached by ClinVar (database versions not stated): gnomAD 0.00001; ExAC 0.00002; gnomAD exomes 0.00003 and 0.00005.
gnomAD v4.1: 65 of 1,605,522 alleles (0.004%); highest among the groups gnomAD compares: East Asian, 0.013%; no homozygotes.

Submissions (5):

Labcorp Genetics (formerly Invitae), Labcorp
Classification: Uncertain significance for Joubert syndrome; Meckel-Gruber syndrome; Nephronophthisis. Last evaluated: 2025-01-06. Review status: criteria provided, single submitter. Criteria: Invitae Variant Classification Sherloc (09022015). Collection method: clinical testing. Allele origin: germline.
Comment: This sequence change replaces valine, which is neutral and non-polar, with isoleucine, which is neutral and non-polar, at codon 2445 of the CEP290 protein (p.Val2445Ile). This variant is present in population databases (rs756042946, gnomAD 0.02%). This variant has not been reported in the literature in individuals affected with CEP290-related conditions. ClinVar contains an entry for this variant (Variation ID: 945143). An algorithm developed to predict the effect of missense changes on protein structure and function outputs the following: PolyPhen-2: "Benign". The isoleucine amino acid residue is found in multiple mammalian species, which suggests that this missense change does not adversely affect protein function. Algorithms developed to predict the effect of sequence changes on RNA splicing suggest that this variant may create or strengthen a splice site. In summary, the available evidence is currently insufficient to determine the role of this variant in disease. Therefore, it has been classified as a Variant of Uncertain Significance.

Blueprint Genetics
Classification: Uncertain significance. Last evaluated: 2024-01-03. Review status: criteria provided, single submitter. Criteria: ACMG Guidelines, 2015. Collection method: clinical testing. Allele origin: germline.

PreventionGenetics, part of Exact Sciences
Classification: Uncertain significance for CEP290-related condition. Last evaluated: 2024-02-14. Review status: no assertion criteria provided. Collection method: clinical testing. Allele origin: germline. Not counted in ClinVar's aggregate classification.
Comment: The CEP290 c.7333G>A variant is predicted to result in the amino acid substitution p.Val2445Ile. To our knowledge, this variant has not been reported in the literature. This variant is reported in 0.022% of alleles in individuals of East Asian descent in gnomAD. At this time, the clinical significance of this variant is uncertain due to the absence of conclusive functional and genetic evidence.

Natera, Inc.
Classification: Uncertain significance for Leber congenital amaurosis. Last evaluated: 2020-07-17. Review status: no assertion criteria provided. Collection method: clinical testing. Allele origin: germline. Not counted in ClinVar's aggregate classification.

Centre de Biologie Pathologie Génétique, Centre Hospitalier Universitaire de Lille
Classification: Likely benign for Intellectual disability. Last evaluated: 2019-01-01. Review status: no assertion criteria provided. Collection method: clinical testing. Allele origin: inherited. Affected: yes. Not counted in ClinVar's aggregate classification.

NM_025114.4(CEP290):c.7333G>A (p.Val2445Ile)

Genes: CEP290 (centrosomal protein 290; minus strand), RLIG1 (RNA 5'-phosphate and 3'-OH ligase 1; plus strand). Cytogenetic location: 12q21.32.
Variant type: single nucleotide variant.
Coding change: c.7333G>A on transcript NM_025114.4 (MANE Select); coding-DNA position 7333, G replaced by A.
Protein change: p.Val2445Ile; replaces valine 2445 with isoleucine.
Molecular consequence: missense variant. On other transcripts: 3 prime UTR variant (1).
Genome position (GRCh38, 1-based): chr12:88,049,291, C>T on the plus strand (G>A on the coding strand, the complement: CEP290 is on the minus strand). VCF-style: chr12-88049291-C-T. GRCh37 (hg19) VCF-style: chr12-88443068-C-T.
Other names: c.*869C>T (NM_001009894.3); short protein forms V2445I.
Identifiers: ClinVar variation 945143 (VCV000945143.10), dbSNP rs756042946, ClinGen allele CA6711290.